The following is an entry in ClinVar:

NM_014363.6(SACS):c.11356del (p.Glu3786fs)

Gene: SACS (sacsin molecular chaperone; minus strand). Cytogenetic location: 13q12.12.
Variant type: Deletion.
Coding change: c.11356del on transcript NM_014363.6 (MANE Select); coding-DNA position 11356, one base deleted (G; older notation c.11356delG).
Protein change: p.Glu3786fs; shifts the reading frame from glutamic acid 3786.
Molecular consequence: frameshift variant.
Genome position (GRCh38, 1-based): chr13:23,332,520, C deleted on the plus strand (G on the coding strand, the reverse complement: SACS is on the minus strand); the first of 3 consecutive C bases (chr13:23,332,520-23,332,522); deleting any one gives the same sequence. VCF-style (leftmost placement, unchanged base first): chr13-23332519-TC-T. GRCh37 (hg19) VCF-style: chr13-23906658-TC-T.
Other names: c.10915del, p.Glu3639fs (NM_001278055.2); short protein forms E3639fs, E3786fs.
Identifiers: ClinVar variation 2873945 (VCV002873945.3), dbSNP rs2542171368, ClinGen allele CA2622328898.

ClinVar aggregate classification (germline): Pathogenic (1 of 4 stars; one submission).

Conditions:
Spastic paraplegia. Identifiers: MedGen C0037772, HP:0001258.

Submission:

Labcorp Genetics (formerly Invitae), Labcorp
Classification: Pathogenic for Spastic paraplegia. Last evaluated: 2023-01-03. Review status: criteria provided, single submitter. Criteria: Invitae Variant Classification Sherloc (09022015). Collection method: clinical testing. Allele origin: germline.
Comment: For these reasons, this variant has been classified as Pathogenic. This variant disrupts a region of the SACS protein in which other variant(s) (p.Asn4549Asp) have been determined to be pathogenic (PMID: 15156359, 21507954). This suggests that this is a clinically significant region of the protein, and that variants that disrupt it are likely to be disease-causing. This sequence change creates a premature translational stop signal (p.Glu3786Asnfs*12) in the SACS gene. While this is not anticipated to result in nonsense mediated decay, it is expected to disrupt the last 794 amino acid(s) of the SACS protein. This variant is not present in population databases (gnomAD no frequency). This variant has not been reported in the literature in individuals affected with SACS-related conditions.

Literature cited by the submitters: PubMed 15156359; PubMed 21507954.